The following is an entry in ClinVar:

ClinVar aggregate classification (germline): Uncertain significance. Review status: criteria provided, multiple submitters, no conflicts (2 of 4 stars). 4 submissions from 4 submitters: Uncertain significance (4). Last evaluated 2026-07-30.

Conditions:
Juvenile polyposis syndrome (JPS). Identifiers: Orphanet 2929, MedGen C0345893, MONDO:0017380, OMIM 174900.
Familial thoracic aortic aneurysm and aortic dissection (TAAD). Also called: Thoracic aortic aneurysms and dissections. Identifiers: Orphanet 91387, MedGen C4707243, MONDO:0019625.
Hereditary cancer-predisposing syndrome. Also called: Hereditary Cancer Syndrome; Hereditary neoplastic syndrome; Neoplastic Syndromes, Hereditary; Tumor predisposition. Identifiers: Orphanet 140162, MedGen C0027672, MeSH D009386, MONDO:0015356.
Juvenile polyposis/hereditary hemorrhagic telangiectasia syndrome (JPHT). Also called: JP/HHT SYNDROME; JUVENILE POLYPOSIS WITH HEREDITARY HEMORRHAGIC TELANGIECTASIA; Juvenile Polyposis Syndrome / Hereditary Hemorrhagic Telangiectasia (JPS/HHT); POLYPOSIS, GENERALIZED JUVENILE, WITH PULMONARY ARTERIOVENOUS MALFORMATION; TELANGIECTASIA, HEREDITARY HEMORRHAGIC, WITH JUVENILE POLYPOSIS COLI. Identifiers: Orphanet 2929, MedGen C1832942, MONDO:0008278, OMIM 175050.

Submissions (4):

Ambry Genetics
Classification: Uncertain significance for Hereditary cancer-predisposing syndrome; Familial thoracic aortic aneurysm and aortic dissection. Last evaluated: 2026-07-30. Review status: criteria provided, single submitter. Criteria: Ambry Variant Classification Scheme 2023. Collection method: clinical testing. Allele origin: germline.
Comment: The p.R87W variant (also known as c.259C>T), located in coding exon 2 of the SMAD4 gene, results from a C to T substitution at nucleotide position 259. The arginine at codon 87 is replaced by tryptophan, an amino acid with dissimilar properties. This amino acid position is highly conserved in available vertebrate species. In addition, this alteration is predicted to be deleterious by in silico analysis. Based on the available evidence, the clinical significance of this variant remains unclear.

CeGaT Center for Human Genetics Tuebingen
Classification: Uncertain significance. Last evaluated: 2026-03-01. Review status: criteria provided, single submitter. Criteria: CeGaT Center For Human Genetics Tuebingen Variant Classification Criteria Version 2. Collection method: clinical testing. Allele origin: germline. Affected: yes. Observed: 1 variant allele.
Comment: SMAD4: PM2, PP2, PP3

Baylor Genetics
Classification: Uncertain significance for Juvenile polyposis/hereditary hemorrhagic telangiectasia syndrome. Last evaluated: 2023-12-21. Review status: criteria provided, single submitter. Criteria: ACMG Guidelines, 2015. Collection method: clinical testing. Allele origin: unknown.

Labcorp Genetics (formerly Invitae), Labcorp
Classification: Uncertain significance for Juvenile polyposis syndrome. Last evaluated: 2022-10-31. Review status: criteria provided, single submitter. Criteria: Invitae Variant Classification Sherloc (09022015). Collection method: clinical testing. Allele origin: germline.
Comment: This sequence change replaces arginine, which is basic and polar, with tryptophan, which is neutral and slightly polar, at codon 87 of the SMAD4 protein (p.Arg87Trp). This variant is not present in population databases (gnomAD no frequency). This variant has not been reported in the literature in individuals affected with SMAD4-related conditions. Algorithms developed to predict the effect of missense changes on protein structure and function (SIFT, PolyPhen-2, Align-GVGD) all suggest that this variant is likely to be disruptive. In summary, the available evidence is currently insufficient to determine the role of this variant in disease. Therefore, it has been classified as a Variant of Uncertain Significance.

NM_005359.6(SMAD4):c.259C>T (p.Arg87Trp)

Gene: SMAD4 (SMAD family member 4; plus strand). Cytogenetic location: 18q21.2.
Variant type: single nucleotide variant.
Coding change: c.259C>T on transcript NM_005359.6 (MANE Select); coding-DNA position 259, C replaced by T.
Protein change: p.Arg87Trp; replaces arginine 87 with tryptophan.
Molecular consequence: missense variant. On other transcripts: non-coding transcript variant (2).
Genome position (GRCh38, 1-based): chr18:51,048,695, C>T. VCF-style: chr18-51048695-C-T. GRCh37 (hg19) VCF-style: chr18-48575065-C-T.
Other names: c.259C>T, p.Arg87Trp (NM_001407041.1, NM_001407042.1, NM_001407043.1); short protein forms R87W.
Identifiers: ClinVar variation 3019377 (VCV003019377.10), dbSNP rs2144405119, ClinGen allele CA402458184.